The following is an entry in ClinVar:

ClinVar aggregate classification (germline): Uncertain significance (1 of 4 stars; one submission).

Conditions:
Primary ciliary dyskinesia 12. Also called: CILIARY DYSKINESIA, PRIMARY, 12, WITHOUT SITUS INVERSUS. Identifiers: Orphanet 244, MedGen C2675228, MONDO:0012979, OMIM 612650.

gnomAD v4.1: 24 of 1,613,786 alleles (0.0015%); highest among the groups gnomAD compares: Non-Finnish European, 0.002%; no homozygotes.

Submission:

Johns Hopkins Genomics, Johns Hopkins University
Classification: Uncertain significance for Primary ciliary dyskinesia 12. Last evaluated: 2025-01-07. Review status: criteria provided, single submitter. Criteria: ACMG Guidelines, 2015. Collection method: clinical testing. Allele origin: germline.
Comment: The clinical significance of this variant is uncertain (PM2).

Literature cited by the submitters: PubMed 38649131.

NM_152703.5(SAMD9L):c.4318G>T (p.Glu1440Ter)

Gene: SAMD9L (sterile alpha motif domain containing 9 like; minus strand). Cytogenetic location: 7q21.2.
Variant type: single nucleotide variant.
Coding change: c.4318G>T on transcript NM_152703.5 (MANE Select); coding-DNA position 4318, G replaced by T.
Protein change: p.Glu1440Ter; replaces glutamic acid 1440 with a stop codon.
Molecular consequence: nonsense.
Genome position (GRCh38, 1-based): chr7:93,131,654, C>A on the plus strand (G>T on the coding strand, the complement: SAMD9L is on the minus strand). VCF-style: chr7-93131654-C-A. GRCh37 (hg19) VCF-style: chr7-92760967-C-A.
Other names: c.4318G>T, p.Glu1440Ter (NM_001303496.3, NM_001303497.3, NM_001303498.3 and 5 more transcripts); short protein forms E1440*.
Identifiers: ClinVar variation 4280121 (VCV004280121.1).